The following is an entry in ClinVar:

NM_138927.4(SON):c.1412A>G (p.Glu471Gly)

Gene: SON (SON DNA and RNA binding protein; plus strand). Cytogenetic location: 21q22.11.
Variant type: single nucleotide variant.
Coding change: c.1412A>G on transcript NM_138927.4 (MANE Select); coding-DNA position 1412, A replaced by G.
Protein change: p.Glu471Gly; replaces glutamic acid 471 with glycine.
Molecular consequence: missense variant. On other transcripts: non-coding transcript variant (1), intron variant (1).
Genome position (GRCh38, 1-based): chr21:33,550,643, A>G. VCF-style: chr21-33550643-A-G. GRCh37 (hg19) VCF-style: chr21-34922949-A-G.
Other names: c.1412A>G, p.Glu471Gly (NM_001291411.2, NM_001412133.1, NM_032195.3 and 2 more transcripts); c.244+4264A>G (NM_001291412.3); short protein forms E471G.
Identifiers: ClinVar variation 2788940 (VCV002788940.3), dbSNP rs2517353880, ClinGen allele CA410153762.

ClinVar aggregate classification (germline): Uncertain significance (1 of 4 stars; one submission).

Submission:

Labcorp Genetics (formerly Invitae), Labcorp
Classification: Uncertain significance. Last evaluated: 2024-01-22. Review status: criteria provided, single submitter. Criteria: Invitae Variant Classification Sherloc (09022015). Collection method: clinical testing. Allele origin: germline.
Comment: This sequence change replaces glutamic acid, which is acidic and polar, with glycine, which is neutral and non-polar, at codon 471 of the SON protein (p.Glu471Gly). This variant is not present in population databases (gnomAD no frequency). This variant has not been reported in the literature in individuals affected with SON-related conditions. An algorithm developed to predict the effect of missense changes on protein structure and function (PolyPhen-2) suggests that this variant is likely to be disruptive. In summary, the available evidence is currently insufficient to determine the role of this variant in disease. Therefore, it has been classified as a Variant of Uncertain Significance.